The following is an entry in ClinVar:

NM_000520.6(HEXA):c.106C>T (p.Arg36Cys)

Gene: HEXA (hexosaminidase subunit alpha; minus strand). Cytogenetic location: 15q23.
Variant type: single nucleotide variant.
Coding change: c.106C>T on transcript NM_000520.6 (MANE Select); coding-DNA position 106, C replaced by T.
Protein change: p.Arg36Cys; replaces arginine 36 with cysteine.
Molecular consequence: missense variant. On other transcripts: non-coding transcript variant (1).
Genome position (GRCh38, 1-based): chr15:72,375,867, G>A on the plus strand (C>T on the coding strand, the complement: HEXA is on the minus strand). VCF-style: chr15-72375867-G-A. GRCh37 (hg19) VCF-style: chr15-72668208-G-A.
Other names: c.106C>T, p.Arg36Cys (NM_001318825.2); short protein forms R36C.
Identifiers: ClinVar variation 838291 (VCV000838291.13), dbSNP rs2089059184, ClinGen allele CA393070537.

ClinVar aggregate classification (germline): Uncertain significance. Review status: criteria provided, single submitter (1 of 4 stars). 2 submissions from 2 submitters: Uncertain significance (1). 1 of the submissions does not count toward it. Last evaluated 2023-08-10.

Conditions:
Tay-Sachs disease (TSD). Also called: GM2 gangliosidosis, type 1; Hexosaminidase alpha-subunit deficiency (variant B); Sphingolipidosis, Tay-Sachs; HEXA Disorders; HEXA DEFICIENCY; Hexosaminidase A Deficiency. Identifiers: Orphanet 845, MedGen C0039373, MONDO:0010100, OMIM 272800.

Submissions (2):

Labcorp Genetics (formerly Invitae), Labcorp
Classification: Uncertain significance for Tay-Sachs disease. Last evaluated: 2023-08-10. Review status: criteria provided, single submitter. Criteria: Invitae Variant Classification Sherloc (09022015). Collection method: clinical testing. Allele origin: germline.
Comment: In summary, the available evidence is currently insufficient to determine the role of this variant in disease. Therefore, it has been classified as a Variant of Uncertain Significance. Advanced modeling of protein sequence and biophysical properties (such as structural, functional, and spatial information, amino acid conservation, physicochemical variation, residue mobility, and thermodynamic stability) has been performed at Invitae for this missense variant, however the output from this modeling did not meet the statistical confidence thresholds required to predict the impact of this variant on HEXA protein function. ClinVar contains an entry for this variant (Variation ID: 838291). This variant has not been reported in the literature in individuals affected with HEXA-related conditions. This variant is not present in population databases (gnomAD no frequency). This sequence change replaces arginine, which is basic and polar, with cysteine, which is neutral and slightly polar, at codon 36 of the HEXA protein (p.Arg36Cys).

Natera, Inc.
Classification: Uncertain significance for Tay-Sachs disease. Last evaluated: 2021-02-10. Review status: no assertion criteria provided. Collection method: clinical testing. Allele origin: germline. Not counted in ClinVar's aggregate classification.